The following is an entry in ClinVar:

ClinVar aggregate classification (germline): Uncertain significance (1 of 4 stars; one submission).

Conditions:
Familial focal epilepsy with variable foci (FPEVF). Identifiers: Orphanet 98820, MedGen C1858477, MONDO:0020310.

Submissions (2):

Labcorp Genetics (formerly Invitae), Labcorp
Classification: Uncertain significance for Familial focal epilepsy with variable foci. Last evaluated: 2024-06-26. Review status: criteria provided, single submitter. Criteria: Invitae Variant Classification Sherloc (09022015). Collection method: clinical testing. Allele origin: germline.
Comment: This sequence change replaces serine, which is neutral and polar, with isoleucine, which is neutral and non-polar, at codon 1459 of the DEPDC5 protein (p.Ser1459Ile). This variant is not present in population databases (gnomAD no frequency). This variant has not been reported in the literature in individuals affected with DEPDC5-related conditions. Experimental studies and prediction algorithms are not available or were not evaluated, and the functional significance of this variant is currently unknown. In summary, the available evidence is currently insufficient to determine the role of this variant in disease. Therefore, it has been classified as a Variant of Uncertain Significance.

Dr. Peter K. Rogan Lab, Western University
No classification provided (evidence only). Condition: Colon adenocarcinoma. Review status: no classification provided. Collection method: in vitro. Allele origin: not applicable. Functional consequence: retained intron. Not counted in ClinVar's aggregate classification.

NM_001242896.3(DEPDC5):c.4376G>T (p.Ser1459Ile)

Gene: DEPDC5 (DEP domain containing 5, GATOR1 subcomplex subunit; plus strand). Cytogenetic location: 22q12.3.
Variant type: single nucleotide variant.
Coding change: c.4376G>T on transcript NM_001242896.3 (MANE Select); coding-DNA position 4376, G replaced by T.
Protein change: p.Ser1459Ile; replaces serine 1459 with isoleucine.
Molecular consequence: missense variant. On other transcripts: non-coding transcript variant (5).
Genome position (GRCh38, 1-based): chr22:31,901,742, G>T. VCF-style: chr22-31901742-G-T. GRCh37 (hg19) VCF-style: chr22-32297728-G-T.
Other names: c.4349G>T, p.Ser1450Ile (NM_001136029.4); c.4076G>T, p.Ser1359Ile (NM_001242897.2); c.4310G>T, p.Ser1437Ile (NM_001363852.2, NM_001364320.2); c.4142G>T, p.Ser1381Ile (NM_001363854.2, NM_001364319.2); c.4376G>T, p.Ser1459Ile (NM_001364318.2); c.4292G>T, p.Ser1431Ile (NM_001369901.1, NM_001369902.1); c.4283G>T, p.Ser1428Ile (NM_001369903.1, NM_014662.6); short protein forms S1437I, S1459I, S1428I, S1359I, S1381I, S1431I, S1450I.
Identifiers: ClinVar variation 3657952 (VCV003657952.3).